The following is an entry in ClinVar:

NM_013451.4(MYOF):c.249G>A (p.Thr83=)

Gene: MYOF (myoferlin; minus strand). Cytogenetic location: 10q23.33.
Variant type: single nucleotide variant.
Coding change: c.249G>A on transcript NM_013451.4 (MANE Select); coding-DNA position 249, G replaced by A.
Protein change: p.Thr83=; no amino-acid change (threonine 83 retained).
Molecular consequence: synonymous variant.
Genome position (GRCh38, 1-based): chr10:93,431,504, C>T on the plus strand (G>A on the coding strand, the complement: MYOF is on the minus strand). VCF-style: chr10-93431504-C-T. GRCh37 (hg19) VCF-style: chr10-95191261-C-T.
Other names: c.249G>A, p.Thr83= (NM_133337.3).
Identifiers: ClinVar variation 2640698 (VCV002640698.24), dbSNP rs199793976, ClinGen allele CA5608671.

ClinVar aggregate classification (germline): Likely benign (1 of 4 stars; one submission).

Allele frequency attached by ClinVar (database versions not stated): 1000 Genomes Project 30x 0.00016; ESP Exome Variant Server 0.00016; 1000 Genomes Project 0.00020.
gnomAD v4.1: 268 of 1,613,616 alleles (0.017%); highest among the groups gnomAD compares: Non-Finnish European, 0.021%; no homozygotes.

Submission:

CeGaT Center for Human Genetics Tuebingen
Classification: Likely benign. Last evaluated: 2023-09-01. Review status: criteria provided, single submitter. Criteria: CeGaT Center For Human Genetics Tuebingen Variant Classification Criteria Version 2. Collection method: clinical testing. Allele origin: germline. Affected: yes. Observed: 1 variant allele.
Comment: MYOF: BP4, BP7